The following is an entry in ClinVar:

ClinVar aggregate classification (germline): Benign/Likely benign. Review status: criteria provided, multiple submitters, no conflicts (2 of 4 stars). 5 submissions from 5 submitters: Benign (1); Likely benign (4). Last evaluated 2026-01-27.

Conditions:
Charcot-Marie-Tooth disease. Also called: Charcot-Marie-Tooth Neuropathy; Charcot-Marie-Tooth Hereditary Neuropathy. Identifiers: Orphanet 166, MedGen C0007959, MONDO:0015626.
Charcot-Marie-Tooth disease type 4B2. Also called: CMT 4B2; Charcot-Marie-Tooth Neuropathy Type 4B2; CHARCOT-MARIE-TOOTH DISEASE, WITH FOCALLY FOLDED MYELIN SHEATHS, AUTOSOMAL RECESSIVE, TYPE 4B2; CHARCOT-MARIE-TOOTH DISEASE, DEMYELINATING, TYPE 4B2. Identifiers: Orphanet 99956, MedGen C1858278, MONDO:0011475, OMIM 604563.
Charcot-Marie-Tooth disease type 4. Also called: Charcot-Marie-Tooth disease, type IV; Charcot-Marie-Tooth, Type 4. Identifiers: Orphanet 64749, MedGen C4082197, MONDO:0018995.

Submissions (5):

Labcorp Genetics (formerly Invitae), Labcorp
Classification: Benign for Charcot-Marie-Tooth disease type 4. Last evaluated: 2026-01-27. Review status: criteria provided, single submitter. Criteria: Invitae Variant Classification Sherloc (09022015). Collection method: clinical testing. Allele origin: germline.

Blueprint Genetics
Classification: Likely benign. Last evaluated: 2024-09-12. Review status: criteria provided, single submitter. Criteria: ACMG Guidelines, 2015. Collection method: clinical testing. Allele origin: germline.

ARUP Laboratories, Molecular Genetics and Genomics, ARUP Laboratories
Classification: Likely benign for Charcot-Marie-Tooth disease type 4B2. Last evaluated: 2021-09-27. Review status: criteria provided, single submitter. Criteria: ARUP Molecular Germline Variant Investigation Process 2021. Collection method: clinical testing. Allele origin: germline.

GeneDx
Classification: Likely benign. Last evaluated: 2016-12-07. Review status: criteria provided, single submitter. Criteria: GeneDx Variant Classification (06012015). Collection method: clinical testing. Allele origin: germline. Affected: yes.
Comment: This variant is considered likely benign or benign based on one or more of the following criteria: it is a conservative change, it occurs at a poorly conserved position in the protein, it is predicted to be benign by multiple in silico algorithms, and/or has population frequency not consistent with disease.

Molecular Genetics Laboratory, London Health Sciences Centre
Classification: Likely benign for Charcot-Marie-Tooth disease. Review status: criteria provided, single submitter. Criteria: ACMG Guidelines, 2015. Collection method: clinical testing. Allele origin: germline. Affected: yes.

NM_030962.4(SBF2):c.2611-35AATC[6]

Genes: SBF2 (SET binding factor 2; minus strand), LOC101928008 (uncharacterized LOC101928008; plus strand). Cytogenetic location: 11p15.4.
Variant type: Microsatellite.
Coding change: c.2611-35AATC[6] on transcript NM_030962.4 (MANE Select); six copies in a row of the 4-base unit AATC starting at c.2611-35; the reference has five copies in a row; one copy, 4 bases duplicated.
Molecular consequence: intron variant.
Genome position (GRCh38, 1-based): chr11:9,850,234-9,850,237, GATT duplicated on the plus strand (AATC on the coding strand, the reverse complement: SBF2 is on the minus strand); duplicating any 4 consecutive bases within chr11:9,850,234-9,850,255 gives the same sequence; the position shown is the placement nearest the transcript's 3' end. VCF-style (leftmost placement, unchanged base first): chr11-9850233-A-AGATT. GRCh37 (hg19) VCF-style: chr11-9871780-A-AGATT.
Other names: c.2482-35AATC[6] (NM_001386342.1); c.2611-35AATC[6] (NM_001386339.1); c.2611-19_2611-16dupAATC (NM_030962.3).
Identifiers: ClinVar variation 418588 (VCV000418588.17), dbSNP rs202029370, ClinGen allele CA5881487.